The following is an entry in ClinVar:

NM_002234.4(KCNA5):c.812C>A (p.Thr271Asn)

Gene: KCNA5 (potassium voltage-gated channel subfamily A member 5; plus strand). Cytogenetic location: 12p13.32.
Variant type: single nucleotide variant.
Coding change: c.812C>A on transcript NM_002234.4 (MANE Select); coding-DNA position 812, C replaced by A.
Protein change: p.Thr271Asn; replaces threonine 271 with asparagine.
Molecular consequence: missense variant.
Genome position (GRCh38, 1-based): chr12:5,044,959, C>A. VCF-style: chr12-5044959-C-A. GRCh37 (hg19) VCF-style: chr12-5154125-C-A.
Other names: short protein forms T271N.
Identifiers: ClinVar variation 2717043 (VCV002717043.3), dbSNP rs376951346, ClinGen allele CA6399721.

ClinVar aggregate classification (germline): Uncertain significance (1 of 4 stars; one submission).

Conditions:
Atrial fibrillation, familial, 7 (ATFB7). Identifiers: MedGen C2677106, MONDO:0012828, OMIM 612240.

Allele frequency attached by ClinVar (database versions not stated): ExAC 0.00002; gnomAD 0.00003; ESP Exome Variant Server 0.00008.

Submission:

Labcorp Genetics (formerly Invitae), Labcorp
Classification: Uncertain significance for Atrial fibrillation, familial, 7. Last evaluated: 2023-02-18. Review status: criteria provided, single submitter. Criteria: Invitae Variant Classification Sherloc (09022015). Collection method: clinical testing. Allele origin: germline.
Comment: In summary, the available evidence is currently insufficient to determine the role of this variant in disease. Therefore, it has been classified as a Variant of Uncertain Significance. Advanced modeling of protein sequence and biophysical properties (such as structural, functional, and spatial information, amino acid conservation, physicochemical variation, residue mobility, and thermodynamic stability) performed at Invitae indicates that this missense variant is expected to disrupt KCNA5 protein function. This variant has not been reported in the literature in individuals affected with KCNA5-related conditions. This variant is present in population databases (rs376951346, gnomAD 0.008%). This sequence change replaces threonine, which is neutral and polar, with asparagine, which is neutral and polar, at codon 271 of the KCNA5 protein (p.Thr271Asn).